The following is an entry in ClinVar:

ClinVar aggregate classification (germline): Uncertain significance (1 of 4 stars; one submission).

Conditions:
Epileptic encephalopathy. Identifiers: MedGen C0543888, HP:0200134.

Submission:

Labcorp Genetics (formerly Invitae), Labcorp
Classification: Uncertain significance for Epileptic encephalopathy. Last evaluated: 2022-06-13. Review status: criteria provided, single submitter. Criteria: Invitae Variant Classification Sherloc (09022015). Collection method: clinical testing. Allele origin: germline.
Comment: This sequence change replaces alanine, which is neutral and non-polar, with threonine, which is neutral and polar, at codon 2277 of the FASN protein (p.Ala2277Thr). In summary, the available evidence is currently insufficient to determine the role of this variant in disease. Therefore, it has been classified as a Variant of Uncertain Significance. Algorithms developed to predict the effect of missense changes on protein structure and function are either unavailable or do not agree on the potential impact of this missense change (SIFT: "Deleterious"; PolyPhen-2: "Probably Damaging"; Align-GVGD: "Class C0"). ClinVar contains an entry for this variant (Variation ID: 862576). This variant has not been reported in the literature in individuals affected with FASN-related conditions. This variant is not present in population databases (gnomAD no frequency).

NM_004104.5(FASN):c.6829G>A (p.Ala2277Thr)

Gene: FASN (fatty acid synthase; minus strand). Cytogenetic location: 17q25.3.
Variant type: single nucleotide variant.
Coding change: c.6829G>A on transcript NM_004104.5 (MANE Select); coding-DNA position 6829, G replaced by A.
Protein change: p.Ala2277Thr; replaces alanine 2277 with threonine.
Molecular consequence: missense variant.
Genome position (GRCh38, 1-based): chr17:82,080,588, C>T on the plus strand (G>A on the coding strand, the complement: FASN is on the minus strand). VCF-style: chr17-82080588-C-T. GRCh37 (hg19) VCF-style: chr17-80038464-C-T.
Other names: short protein forms A2277T.
Identifiers: ClinVar variation 862576 (VCV000862576.11), dbSNP rs2033969506, ClinGen allele CA401598460.